The following is an entry in ClinVar:

NM_000506.5(F2):c.1499G>A (p.Arg500Gln)

Gene: F2 (coagulation factor II, thrombin; plus strand). Cytogenetic location: 11p11.2.
Variant type: single nucleotide variant.
Coding change: c.1499G>A on transcript NM_000506.5 (MANE Select); coding-DNA position 1499, G replaced by A.
Protein change: p.Arg500Gln; replaces arginine 500 with glutamine.
Molecular consequence: missense variant.
Genome position (GRCh38, 1-based): chr11:46,729,406, G>A. VCF-style: chr11-46729406-G-A. GRCh37 (hg19) VCF-style: chr11-46750956-G-A.
Other names: c.1499G>A (NM_000506.4); short protein forms R500Q.
Identifiers: ClinVar variation 2706763 (VCV002706763.6), dbSNP rs202003146, ClinGen allele CA5967314.
Genomic context (GRCh38, chr11:46,729,406, plus strand): 5'-TGGCTCTCACTAGGCCCTTCTTCCTTCCCCAAAGCTTGCTCCAGGCTGGATACAAGGGGC[G>A]GGTGACAGGCTGGGGCAACCTGAAGGAGACGTGGACAGCCAACGTTGGTAAGGGGCAGCC-3'
Protein context (NP_000497.1, residues 490-510): ASLLQAGYKG[Arg500Gln]VTGWGNLKET

ClinVar aggregate classification (germline): Pathogenic. Review status: criteria provided, multiple submitters, no conflicts (2 of 4 stars). 3 submissions from 3 submitters: Pathogenic (3). Last evaluated 2026-09-24.

Conditions:
Congenital prothrombin deficiency. Also called: Factor II deficiency; Hereditary factor II deficiency disease; HYPOPROTHROMBINEMIA; Inherited hypoprothrombinemia; Congenital factor II deficiency; Inherited prothrombin deficiency. Identifiers: Orphanet 325, MedGen C0272317, MONDO:0013361, OMIM 613679.
F2-related disorder. Also called: F2-related condition; F2-related disorders.
Ischemic stroke. Also called: CEREBROVASCULAR ACCIDENT; Ischemic stroke, susceptibility to. Identifiers: MedGen C0948008, MONDO:1060198, OMIM 601367, HP:0002140.
Pregnancy loss, recurrent, susceptibility to, 2 (RPRGL2). Identifiers: MedGen C3280672, MONDO:0013728, OMIM 614390.
Thrombophilia due to thrombin defect (THPH1). Also called: Prothrombin Thrombophilia; Thrombosis susceptibility; THROMBOPHILIA DUE TO FACTOR 2 DEFECT; Prothrombin-Related Thrombophilia (Factor II). Identifiers: MedGen C3160733, MONDO:0008559, OMIM 188050. Disease mechanism: gain of function, loss of function.

Allele frequency attached by ClinVar (database versions not stated): ExAC 0.00001; 1000 Genomes Project 0.00020; 1000 Genomes Project 30x 0.00031.
gnomAD v4.1: 48 of 1,614,076 alleles (0.003%); highest among the groups gnomAD compares: Admixed American, 0.055%; no homozygotes.

Submissions (3):

PreventionGenetics, part of Exact Sciences
Classification: Pathogenic for F2-related condition. Last evaluated: 2026-09-24. Review status: criteria provided, single submitter. Criteria: ACMG Guidelines, 2015. Collection method: clinical testing. Allele origin: germline.
Comment: The F2 c.1499G>A variant is predicted to result in the amino acid substitution p.Arg500Gln. This variant, also known as Arg457Gln for legacy nomenclature, has been reported in the homozygous or compound heterozygous state in multiple individuals with prothrombin deficiency (Lefkowitz et al. 2003. PubMed ID: 14629473; Qama et al. 2025. PubMed ID: 39079028). This variant is reported in 0.0085% of alleles in individuals of Latino descent in gnomAD. This variant is interpreted as pathogenic.

Labcorp Genetics (formerly Invitae), Labcorp
Classification: Pathogenic for Congenital prothrombin deficiency. Last evaluated: 2026-01-28. Review status: criteria provided, single submitter. Criteria: Invitae Variant Classification Sherloc (09022015). Collection method: clinical testing. Allele origin: germline.
Comment: This sequence change replaces arginine, which is basic and polar, with glutamine, which is neutral and polar, at codon 500 of the F2 protein (p.Arg500Gln). This variant is present in population databases (rs202003146, gnomAD 0.01%). This missense change has been observed in individual(s) with autosomal recessive prothrombin (factor II) deficiency (PMID: 14629473). In at least one individual the data is consistent with being in trans (on the opposite chromosome) from a pathogenic variant. This variant is also known as Arg457Gln. ClinVar contains an entry for this variant (Variation ID: 2706763). Invitae Evidence Modeling of protein sequence and biophysical properties (such as structural, functional, and spatial information, amino acid conservation, physicochemical variation, residue mobility, and thermodynamic stability) indicates that this missense variant is expected to disrupt F2 protein function with a positive predictive value of 80%. Experimental studies have shown that this missense change affects F2 function (PMID: 14629473). For these reasons, this variant has been classified as Pathogenic.

Fulgent Genetics
Classification: Pathogenic for Thrombophilia due to thrombin defect; Ischemic stroke; Congenital prothrombin deficiency; Pregnancy loss, recurrent, susceptibility to, 2. Last evaluated: 2024-04-09. Review status: criteria provided, single submitter. Criteria: ACMG Guidelines, 2015. Collection method: clinical testing. Allele origin: germline.

Literature cited by the submitters: PubMed 14629473 (cited by Labcorp Genetics (formerly Invitae), Labcorp).